The following is an entry in ClinVar:

NM_001374736.1(DST):c.3645del (p.Glu1215fs)

Gene: DST (dystonin; minus strand). Cytogenetic location: 6p12.1.
Variant type: Deletion.
Coding change: c.3645del on transcript NM_001374736.1 (MANE Select); coding-DNA position 3645, one base deleted (A; older notation c.3645delA).
Protein change: p.Glu1215fs; shifts the reading frame from glutamic acid 1215.
Molecular consequence: frameshift variant.
Genome position (GRCh38, 1-based): chr6:56,633,014, T deleted on the plus strand (A on the coding strand, the reverse complement: DST is on the minus strand); the first of 2 consecutive T bases (chr6:56,633,014-56,633,015); deleting either gives the same sequence. VCF-style (leftmost placement, unchanged base first): chr6-56633013-GT-G. GRCh37 (hg19) VCF-style: chr6-56497811-GT-G.
Other names: c.3132del, p.Glu1044fs (NM_001144770.2); c.3645del, p.Glu1215fs (NM_001374722.1); c.3546del, p.Glu1182fs (NM_001144769.5); c.3012del, p.Glu1004fs (NM_001374729.1, NM_001374730.1, NM_001386100.1 and 1 more transcripts); c.3672del, p.Glu1224fs (NM_001374734.1); c.2034del, p.Glu678fs (NM_001723.7, NM_015548.5); short protein forms E1004fs, E1044fs, E1182fs, E1215fs, E1224fs, E678fs.
Identifiers: ClinVar variation 3759735 (VCV003759735.2).

ClinVar aggregate classification (germline): Pathogenic (1 of 4 stars; one submission).

Conditions:
Epidermolysis bullosa simplex 3, localized or generalized intermediate, with BP230 deficiency (EBS3). Also called: Epidermolysis bullosa simplex, autosomal recessive 2; Epidermolysis bullosa simplex due to BP230 deficiency. Identifiers: Orphanet 412181, MedGen C3809470, MONDO:0014180, OMIM 615425.
Hereditary sensory and autonomic neuropathy type 6. Also called: HSAN VI; Neuropathy, hereditary sensory and autonomic, type VI. Identifiers: Orphanet 314381, MedGen C3539003, MONDO:0013839, OMIM 614653.

Submission:

Labcorp Genetics (formerly Invitae), Labcorp
Classification: Pathogenic for Epidermolysis bullosa simplex 3, localized or generalized intermediate, with BP230 deficiency; Hereditary sensory and autonomic neuropathy type 6. Last evaluated: 2024-11-08. Review status: criteria provided, single submitter. Criteria: Invitae Variant Classification Sherloc (09022015). Collection method: clinical testing. Allele origin: germline.
Comment: This sequence change creates a premature translational stop signal (p.Glu678Aspfs*6) in the DST gene. It is expected to result in an absent or disrupted protein product. Loss-of-function variants in DST are known to be pathogenic (PMID: 22522446, 25059916, 30371979). This variant is not present in population databases (gnomAD no frequency). This variant has not been reported in the literature in individuals affected with DST-related conditions. For these reasons, this variant has been classified as Pathogenic.

Literature cited by the submitters: PubMed 22522446; PubMed 25059916; PubMed 30371979.